The following is an entry in ClinVar:

NM_139319.3(SLC17A8):c.741G>C (p.Trp247Cys)

Gene: SLC17A8 (solute carrier family 17 member 8; plus strand). Cytogenetic location: 12q23.1.
Variant type: single nucleotide variant.
Coding change: c.741G>C on transcript NM_139319.3 (MANE Select); coding-DNA position 741, G replaced by C.
Protein change: p.Trp247Cys; replaces tryptophan 247 with cysteine.
Molecular consequence: missense variant.
Genome position (GRCh38, 1-based): chr12:100,401,841, G>C. VCF-style: chr12-100401841-G-C. GRCh37 (hg19) VCF-style: chr12-100795619-G-C.
Other names: c.741G>C, p.Trp247Cys (NM_001145288.2); short protein forms W247C.
Identifiers: ClinVar variation 5017737 (VCV005017737.1).

ClinVar aggregate classification (germline): Uncertain significance (1 of 4 stars; one submission).

Submission:

GeneDx
Classification: Uncertain significance. Last evaluated: 2026-03-27. Review status: criteria provided, single submitter. Criteria: GeneDx Variant Classification Process June 2021. Collection method: clinical testing. Allele origin: germline.
Comment: Not observed at significant frequency in large population cohorts (gnomAD); In silico analysis supports that this missense variant has a deleterious effect on protein structure/function; Has not been previously published as pathogenic or benign to our knowledge